The following is an entry in ClinVar:

ClinVar aggregate classification (germline): Uncertain significance (1 of 4 stars; one submission).

Conditions:
Hereditary cancer-predisposing syndrome. Also called: Neoplastic Syndromes, Hereditary; Hereditary Cancer Syndrome; Tumor predisposition; Hereditary neoplastic syndrome. Identifiers: Orphanet 140162, MedGen C0027672, MeSH D009386, MONDO:0015356.

Allele frequency attached by ClinVar (database versions not stated): gnomAD exomes below 0.00001.
gnomAD v4.1: 1 of 1,614,212 alleles (0.000062%); highest among the groups gnomAD compares: East Asian, 0.0022%; no homozygotes.

Submission:

Ambry Genetics
Classification: Uncertain significance for Hereditary cancer-predisposing syndrome. Last evaluated: 2025-11-17. Review status: criteria provided, single submitter. Criteria: Ambry Variant Classification Scheme 2023. Collection method: clinical testing. Allele origin: germline.
Comment: The p.E373K variant (also known as c.1117G>A), located in coding exon 4 of the AXIN2 gene, results from a G to A substitution at nucleotide position 1117. The glutamic acid at codon 373 is replaced by lysine, an amino acid with similar properties. This amino acid position is conserved. In addition, this alteration is predicted to be tolerated by in silico analysis. Since supporting evidence is limited at this time, the clinical significance of this alteration remains unclear.

NM_004655.4(AXIN2):c.1117G>A (p.Glu373Lys)

Gene: AXIN2 (axin 2; minus strand). Cytogenetic location: 17q24.1.
Variant type: single nucleotide variant.
Coding change: c.1117G>A on transcript NM_004655.4 (MANE Select); coding-DNA position 1117, G replaced by A.
Protein change: p.Glu373Lys; replaces glutamic acid 373 with lysine.
Molecular consequence: missense variant.
Genome position (GRCh38, 1-based): chr17:65,538,286, C>T on the plus strand (G>A on the coding strand, the complement: AXIN2 is on the minus strand). VCF-style: chr17-65538286-C-T. GRCh37 (hg19) VCF-style: chr17-63534404-C-T.
Other names: c.1117G>A, p.Glu373Lys (NM_001363813.1); short protein forms E373K.
Identifiers: ClinVar variation 2447023 (VCV002447023.3), dbSNP rs2544182505, ClinGen allele CA400678418.